The following is an entry in ClinVar:

ClinVar aggregate classification (germline): Uncertain significance (1 of 4 stars; one submission).

Submission:

GeneDx
Classification: Uncertain significance. Last evaluated: 2024-12-23. Review status: criteria provided, single submitter. Criteria: GeneDx Variant Classification Process June 2021. Collection method: clinical testing. Allele origin: germline. Affected: yes.
Comment: Not observed at significant frequency in large population cohorts (gnomAD); In silico analysis supports that this missense variant has a deleterious effect on protein structure/function; Has not been previously published as pathogenic or benign to our knowledge

NM_005257.6(GATA6):c.1250A>T (p.Tyr417Phe)

Gene: GATA6 (GATA binding protein 6; plus strand). Cytogenetic location: 18q11.2.
Variant type: single nucleotide variant.
Coding change: c.1250A>T on transcript NM_005257.6 (MANE Select); coding-DNA position 1250, A replaced by T.
Protein change: p.Tyr417Phe; replaces tyrosine 417 with phenylalanine.
Molecular consequence: missense variant.
Genome position (GRCh38, 1-based): chr18:22,177,069, A>T. VCF-style: chr18-22177069-A-T. GRCh37 (hg19) VCF-style: chr18-19757030-A-T.
Other names: short protein forms Y417F.
Identifiers: ClinVar variation 3907914 (VCV003907914.1).